The following is an entry in ClinVar:

NM_005732.4(RAD50):c.997A>C (p.Asn333His)

Gene: RAD50 (RAD50 double strand break repair protein; plus strand). Cytogenetic location: 5q31.1.
Variant type: single nucleotide variant.
Coding change: c.997A>C on transcript NM_005732.4 (MANE Select); coding-DNA position 997, A replaced by C.
Protein change: p.Asn333His; replaces asparagine 333 with histidine.
Molecular consequence: missense variant.
Genome position (GRCh38, 1-based): chr5:132,588,035, A>C. VCF-style: chr5-132588035-A-C. GRCh37 (hg19) VCF-style: chr5-131923727-A-C.
Other names: short protein forms N333H.
Identifiers: ClinVar variation 1063934 (VCV001063934.9), dbSNP rs2149840664, ClinGen allele CA360941353.

ClinVar aggregate classification (germline): Uncertain significance (1 of 4 stars; one submission).

Conditions:
Hereditary cancer-predisposing syndrome. Also called: Hereditary Cancer Syndrome; Hereditary neoplastic syndrome; Neoplastic Syndromes, Hereditary; Tumor predisposition. Identifiers: Orphanet 140162, MedGen C0027672, MeSH D009386, MONDO:0015356.

gnomAD v4.1: 1 of 1,612,736 alleles (0.000062%); highest among the groups gnomAD compares: South Asian, 0.0011%; no homozygotes.

Submission:

Labcorp Genetics (formerly Invitae), Labcorp
Classification: Uncertain significance for Hereditary cancer-predisposing syndrome. Last evaluated: 2020-10-29. Review status: criteria provided, single submitter. Criteria: Invitae Variant Classification Sherloc (09022015). Collection method: clinical testing. Allele origin: germline.
Comment: In summary, the available evidence is currently insufficient to determine the role of this variant in disease. Therefore, it has been classified as a Variant of Uncertain Significance. Algorithms developed to predict the effect of missense changes on protein structure and function (SIFT, PolyPhen-2, Align-GVGD) all suggest that this variant is likely to be tolerated, but these predictions have not been confirmed by published functional studies and their clinical significance is uncertain. This variant has not been reported in the literature in individuals with RAD50-related conditions. This variant is not present in population databases (ExAC no frequency). This sequence change replaces asparagine with histidine at codon 333 of the RAD50 protein (p.Asn333His). The asparagine residue is moderately conserved and there is a small physicochemical difference between asparagine and histidine.